The following is an entry in ClinVar:

NM_003000.3(SDHB):c.243_246dup (p.Val83Ter)

Gene: SDHB (succinate dehydrogenase complex iron sulfur subunit B; minus strand). Cytogenetic location: 1p36.13.
Variant type: Duplication.
Coding change: c.243_246dup on transcript NM_003000.3 (MANE Select); coding-DNA positions 243 to 246, 4 bases duplicated (TGAA; older notation c.243_246dupTGAA).
Protein change: p.Val83Ter; replaces valine 83 with a stop codon.
Molecular consequence: nonsense.
Genome position (GRCh38, 1-based): chr1:17,033,100-17,033,103, TTCA duplicated on the plus strand (TGAA on the coding strand, the reverse complement: SDHB is on the minus strand); duplicating any 4 consecutive bases within chr1:17,033,100-17,033,106 gives the same sequence; the c. name uses the placement nearest the transcript's 3' end. VCF-style (leftmost placement, unchanged base first): chr1-17033099-C-CTTCA. GRCh37 (hg19) VCF-style: chr1-17359594-C-CTTCA.
Other names: short protein forms V83*.
Identifiers: ClinVar variation 1455849 (VCV001455849.6), dbSNP rs2101528972, ClinGen allele CA2573130550.

ClinVar aggregate classification (germline): Pathogenic (1 of 4 stars; one submission).

Conditions:
Gastrointestinal stromal tumor. Also called: Gastrointestinal stroma tumor; Gastrointestinal stromal tumor, somatic. Identifiers: Orphanet 44890, MedGen C0238198, MeSH D046152, MONDO:0011719, OMIM 606764, HP:0100723.
Pheochromocytoma/paraganglioma syndrome 4. Also called: CAROTID BODY TUMORS AND MULTIPLE EXTRAADRENAL PHEOCHROMOCYTOMAS; SDHB-Related Hereditary Paraganglioma-Pheochromocytoma Syndrome; PARAGANGLIOMA, FAMILIAL MALIGNANT; PARAGANGLIOMAS, HEREDITARY EXTRAADRENAL; PHEOCHROMOCYTOMA, FAMILIAL EXTRAADRENAL; Paragangliomas 4. Identifiers: Orphanet 29072, MedGen C1861848, MONDO:0007273, OMIM 115310.
Pheochromocytoma. Also called: MAX-Related Hereditary Paraganglioma-Pheochromocytoma Syndrome. Identifiers: Orphanet 29072, MedGen C0031511, MONDO:0008233, OMIM 171300, HP:0002666.

Submission:

Labcorp Genetics (formerly Invitae), Labcorp
Classification: Pathogenic for Gastrointestinal stromal tumor; Pheochromocytoma/paraganglioma syndrome 4; Pheochromocytoma. Last evaluated: 2021-10-25. Review status: criteria provided, single submitter. Criteria: Invitae Variant Classification Sherloc (09022015). Collection method: clinical testing. Allele origin: germline.
Comment: This sequence change creates a premature translational stop signal (p.Val83*) in the SDHB gene. It is expected to result in an absent or disrupted protein product. Loss-of-function variants in SDHB are known to be pathogenic (PMID: 19454582, 19802898). This variant is not present in population databases (ExAC no frequency). This variant has not been reported in the literature in individuals affected with SDHB-related conditions. For these reasons, this variant has been classified as Pathogenic.

Literature cited by the submitters: PubMed 19454582; PubMed 19802898.